The following is an entry in ClinVar:

NM_001271.4(CHD2):c.5227C>T (p.Arg1743Ter)

Gene: CHD2 (chromodomain helicase DNA binding protein 2; plus strand). Cytogenetic location: 15q26.1.
Variant type: single nucleotide variant.
Coding change: c.5227C>T on transcript NM_001271.4 (MANE Select); coding-DNA position 5227, C replaced by T.
Protein change: p.Arg1743Ter; replaces arginine 1743 with a stop codon.
Molecular consequence: nonsense.
Genome position (GRCh38, 1-based): chr15:93,024,445, C>T. VCF-style: chr15-93024445-C-T. GRCh37 (hg19) VCF-style: chr15-93567675-C-T.
Other names: short protein forms R1743*.
Identifiers: ClinVar variation 662687 (VCV000662687.7), dbSNP rs1596463906, ClinGen allele CA393908340.
Genomic context (GRCh38, chr15:93,024,445, plus strand): 5'-TCCAAGCGGAGGAGATCCGATGAATTTAGGCCTCAAAATTACCACCAGCAGGATTTCCGA[C>T]GAATGTCTGATCACCGCCCCGCTATGGGCTACCATGGCCAGGGACCCTCAGACCATTACC-3'

ClinVar aggregate classification (germline): Uncertain significance (1 of 4 stars; one submission).

Conditions:
Developmental and epileptic encephalopathy 94 (DEE94). Also called: Epileptic encephalopathy, childhood-onset; CHD2-Related Neurodevelopmental Disorders. Identifiers: Orphanet 1942, Orphanet 2382, MedGen C3809278, MONDO:0014150, OMIM 615369.

gnomAD v4.1: 4 of 1,614,198 alleles (0.00025%); highest among the groups gnomAD compares: East Asian, 0.0022%; no homozygotes.

Submission:

Labcorp Genetics (formerly Invitae), Labcorp
Classification: Uncertain significance for Developmental and epileptic encephalopathy 94. Last evaluated: 2018-11-06. Review status: criteria provided, single submitter. Criteria: Invitae Variant Classification Sherloc (09022015). Collection method: clinical testing. Allele origin: germline.
Comment: This variant has not been reported in the literature in individuals with CHD2-related disease. This variant is not present in population databases (ExAC no frequency). This sequence change results in a premature translational stop signal in the CHD2 gene (p.Arg1743*). While this is not anticipated to result in nonsense mediated decay, it is expected to disrupt the last 86 amino acids of the CHD2 protein. In summary, the available evidence is currently insufficient to determine the role of this variant in disease. Therefore, it has been classified as a Variant of Uncertain Significance.